The following is an entry in ClinVar:

ClinVar aggregate classification (germline): Uncertain significance. Review status: criteria provided, multiple submitters, no conflicts (2 of 4 stars). 2 submissions from 2 submitters: Uncertain significance (2). Last evaluated 2024-04-24.

Allele frequency attached by ClinVar (database versions not stated): gnomAD exomes 0.00001 and 0.00002; TOPMed 0.00001.
gnomAD v4.1: 14 of 1,613,688 alleles (0.00087%); highest among the groups gnomAD compares: African/African-American, 0.0013%; no homozygotes.

Submissions (2):

Labcorp Genetics (formerly Invitae), Labcorp
Classification: Uncertain significance. Last evaluated: 2024-04-24. Review status: criteria provided, single submitter. Criteria: Invitae Variant Classification Sherloc (09022015). Collection method: clinical testing. Allele origin: germline.
Comment: This sequence change replaces threonine, which is neutral and polar, with isoleucine, which is neutral and non-polar, at codon 16 of the ABCA4 protein (p.Thr16Ile). This variant is present in population databases (no rsID available, gnomAD 0.004%). This variant has not been reported in the literature in individuals affected with ABCA4-related conditions. ClinVar contains an entry for this variant (Variation ID: 1043695). Advanced modeling of protein sequence and biophysical properties (such as structural, functional, and spatial information, amino acid conservation, physicochemical variation, residue mobility, and thermodynamic stability) performed at Invitae indicates that this missense variant is expected to disrupt ABCA4 protein function with a positive predictive value of 95%. In summary, the available evidence is currently insufficient to determine the role of this variant in disease. Therefore, it has been classified as a Variant of Uncertain Significance.

Blueprint Genetics
Classification: Uncertain significance. Last evaluated: 2023-03-06. Review status: criteria provided, single submitter. Criteria: ACMG Guidelines, 2015. Collection method: clinical testing. Allele origin: germline.

NM_000350.3(ABCA4):c.47C>T (p.Thr16Ile)

Gene: ABCA4 (ATP binding cassette subfamily A member 4; minus strand). Cytogenetic location: 1p22.1.
Variant type: single nucleotide variant.
Coding change: c.47C>T on transcript NM_000350.3 (MANE Select); coding-DNA position 47, C replaced by T.
Protein change: p.Thr16Ile; replaces threonine 16 with isoleucine.
Molecular consequence: missense variant.
Genome position (GRCh38, 1-based): chr1:94,120,999, G>A on the plus strand (C>T on the coding strand, the complement: ABCA4 is on the minus strand). VCF-style: chr1-94120999-G-A. GRCh37 (hg19) VCF-style: chr1-94586555-G-A.
Other names: c.47C>T, p.Thr16Ile (NM_001425324.1); short protein forms T16I.
Identifiers: ClinVar variation 1043695 (VCV001043695.9), dbSNP rs949028237, ClinGen allele CA26845223.